The following is an entry in ClinVar:

ClinVar aggregate classification (germline): Uncertain significance (1 of 4 stars; one submission).

Conditions:
Hereditary cancer-predisposing syndrome. Also called: Tumor predisposition; Hereditary neoplastic syndrome; Hereditary Cancer Syndrome; Neoplastic Syndromes, Hereditary. Identifiers: Orphanet 140162, MedGen C0027672, MeSH D009386, MONDO:0015356.

Submission:

Ambry Genetics
Classification: Uncertain significance for Hereditary cancer-predisposing syndrome. Last evaluated: 2025-05-07. Review status: criteria provided, single submitter. Criteria: Ambry Variant Classification Scheme 2023. Collection method: clinical testing. Allele origin: germline.
Comment: The c.1793-1G>C intronic variant results from a G to C substitution one nucleotide upstream from coding exon 15 of the POT1 gene. This alteration occurs at the 3' terminus of the POT1 gene, is not expected to trigger nonsense-mediated mRNA decay, and only impacts the last 5.8% of the protein. The exact functional effect of this alteration is unknown. This nucleotide position is highly conserved in available vertebrate species. In silico splice site analysis predicts that this alteration will weaken the native splice acceptor site; however, direct evidence is insufficient at this time (Ambry internal data). Based on the available evidence, the clinical significance of this variant remains unclear.

NM_015450.3(POT1):c.1793-1G>C

Gene: POT1 (protection of telomeres 1; minus strand). Cytogenetic location: 7q31.33.
Variant type: single nucleotide variant.
Coding change: c.1793-1G>C on transcript NM_015450.3 (MANE Select); the canonical splice acceptor site of the intron before coding-DNA position 1793, G replaced by C.
Molecular consequence: splice acceptor variant.
Genome position (GRCh38, 1-based): chr7:124,824,075, C>G on the plus strand (G>C on the coding strand, the complement: POT1 is on the minus strand). VCF-style: chr7-124824075-C-G. GRCh37 (hg19) VCF-style: chr7-124464129-C-G.
Other names: c.1400-1G>C (NM_001042594.2).
Identifiers: ClinVar variation 3936282 (VCV003936282.1).
Genomic context (GRCh38, chr7:124,824,075, plus strand): 5'-TATCTGTTCCATTTGTGACATTGTATGACTTGATGAAGCATTCCAACCACGGATATGCAT[C>G]TACAAAAACAAAAACAAAAAAAGCGATTTAACCATTAAAACAAAATAAATAACTCTGAAA-3'